The following is an entry in ClinVar:

ClinVar aggregate classification (germline): Uncertain significance. Review status: criteria provided, multiple submitters, no conflicts (2 of 4 stars). 5 submissions from 5 submitters: Uncertain significance (5). Last evaluated 2025-07-09.

Conditions:
Spondylodysplastic Ehlers-Danlos syndrome. Identifiers: Orphanet 536471, Orphanet 75496, MedGen C5680154, MONDO:0007526.

Allele frequency attached by ClinVar (database versions not stated): TOPMed 0.00002; gnomAD 0.00006; ESP Exome Variant Server 0.00008.

Submissions (5):

Mayo Clinic Laboratories, Mayo Clinic
Classification: Uncertain significance. Last evaluated: 2025-07-09. Review status: criteria provided, single submitter. Criteria: ACMG Guidelines, 2015. Collection method: clinical testing. Allele origin: germline. Observed: 1 variant allele.

Women's Health and Genetics/Laboratory Corporation of America, LabCorp
Classification: Uncertain significance. Last evaluated: 2025-06-02. Review status: criteria provided, single submitter. Criteria: LabCorp Variant Classification Summary - May 2015. Collection method: clinical testing. Allele origin: germline.
Comment: Variant summary: B4GALT7 c.553G>A (p.Val185Met) results in a conservative amino acid change in the encoded protein sequence. Algorithms developed to predict the effect of missense changes on protein structure and function are either unavailable or do not agree on the potential impact of this missense change. The variant allele was found at a frequency of 6.8e-05 in 251314 control chromosomes (gnomAD). This frequency is not significantly higher than estimated for a pathogenic variant in B4GALT7 causing Spondylodysplastic Ehlers-Danlos syndrome (6.8e-05 vs 0.0011), allowing no conclusion about variant significance. To our knowledge, no occurrence of c.553G>A in individuals affected with Spondylodysplastic Ehlers-Danlos syndrome and no experimental evidence demonstrating its impact on protein function have been reported. ClinVar contains an entry for this variant (Variation ID: 451729). Based on the evidence outlined above, the variant was classified as uncertain significance.

GeneDx
Classification: Uncertain significance. Last evaluated: 2025-05-06. Review status: criteria provided, single submitter. Criteria: GeneDx Variant Classification Process June 2021. Collection method: clinical testing. Allele origin: germline. Affected: yes.
Comment: Has not been previously published as pathogenic or benign to our knowledge; Not observed at significant frequency in large population cohorts (gnomAD); In silico analysis suggests that this missense variant does not alter protein structure/function

Blueprint Genetics
Classification: Uncertain significance. Last evaluated: 2024-08-12. Review status: criteria provided, single submitter. Criteria: ACMG Guidelines, 2015. Collection method: clinical testing. Allele origin: germline.

Labcorp Genetics (formerly Invitae), Labcorp
Classification: Uncertain significance for Spondylodysplastic Ehlers-Danlos syndrome. Last evaluated: 2023-12-22. Review status: criteria provided, single submitter. Criteria: Invitae Variant Classification Sherloc (09022015). Collection method: clinical testing. Allele origin: germline.
Comment: This sequence change replaces valine, which is neutral and non-polar, with methionine, which is neutral and non-polar, at codon 185 of the B4GALT7 protein (p.Val185Met). This variant is present in population databases (rs137913131, gnomAD 0.01%). This variant has not been reported in the literature in individuals affected with B4GALT7-related conditions. ClinVar contains an entry for this variant (Variation ID: 451729). Advanced modeling of protein sequence and biophysical properties (such as structural, functional, and spatial information, amino acid conservation, physicochemical variation, residue mobility, and thermodynamic stability) performed at Invitae indicates that this missense variant is not expected to disrupt B4GALT7 protein function with a negative predictive value of 80%. In summary, the available evidence is currently insufficient to determine the role of this variant in disease. Therefore, it has been classified as a Variant of Uncertain Significance.

NM_007255.3(B4GALT7):c.553G>A (p.Val185Met)

Gene: B4GALT7 (beta-1,4-galactosyltransferase 7; plus strand). Cytogenetic location: 5q35.3.
Variant type: single nucleotide variant.
Coding change: c.553G>A on transcript NM_007255.3 (MANE Select); coding-DNA position 553, G replaced by A.
Protein change: p.Val185Met; replaces valine 185 with methionine.
Molecular consequence: missense variant.
Genome position (GRCh38, 1-based): chr5:177,607,441, G>A. VCF-style: chr5-177607441-G-A. GRCh37 (hg19) VCF-style: chr5-177034442-G-A.
Other names: p.Val185Met; short protein forms V185M.
Identifiers: ClinVar variation 451729 (VCV000451729.10), dbSNP rs137913131, ClinGen allele CA3586529.